The following is an entry in ClinVar:

NM_006206.6(PDGFRA):c.163G>T (p.Val55Leu)

Gene: PDGFRA (platelet derived growth factor receptor alpha; plus strand). Cytogenetic location: 4q12.
Variant type: single nucleotide variant.
Coding change: c.163G>T on transcript NM_006206.6 (MANE Select); coding-DNA position 163, G replaced by T.
Protein change: p.Val55Leu; replaces valine 55 with leucine.
Molecular consequence: missense variant.
Genome position (GRCh38, 1-based): chr4:54,261,208, G>T. VCF-style: chr4-54261208-G-T. GRCh37 (hg19) VCF-style: chr4-55127375-G-T.
Other names: c.163G>T, p.Val55Leu (NM_001347827.2, NM_001347829.2); c.238G>T, p.Val80Leu (NM_001347828.2); c.202G>T, p.Val68Leu (NM_001347830.2); short protein forms V55L, V68L, V80L.
Identifiers: ClinVar variation 528561 (VCV000528561.11), dbSNP rs773412686, ClinGen allele CA356888386.

ClinVar aggregate classification (germline): Conflicting classifications of pathogenicity. Review status: criteria provided, conflicting classifications (1 of 4 stars). 2 submissions from 2 submitters: Uncertain significance (1); Likely benign (1). Last evaluated 2025-11-20.

Conditions:
Hereditary cancer-predisposing syndrome. Also called: Tumor predisposition; Hereditary neoplastic syndrome; Hereditary Cancer Syndrome; Neoplastic Syndromes, Hereditary. Identifiers: Orphanet 140162, MedGen C0027672, MeSH D009386, MONDO:0015356.
Gastrointestinal stromal tumor. Also called: Gastrointestinal stroma tumor; Gastrointestinal stromal tumor, somatic. Identifiers: Orphanet 44890, MedGen C0238198, MeSH D046152, MONDO:0011719, OMIM 606764, HP:0100723.

gnomAD v4.1: 1 of 1,614,196 alleles (0.000062%); highest among the groups gnomAD compares: Admixed American, 0.0017%; no homozygotes.

Submissions (2):

Ambry Genetics
Classification: Likely benign for Hereditary cancer-predisposing syndrome. Last evaluated: 2025-11-20. Review status: criteria provided, single submitter. Criteria: Ambry Variant Classification Scheme 2023. Collection method: clinical testing. Allele origin: germline.

Labcorp Genetics (formerly Invitae), Labcorp
Classification: Uncertain significance for Gastrointestinal stromal tumor. Last evaluated: 2021-07-27. Review status: criteria provided, single submitter. Criteria: Invitae Variant Classification Sherloc (09022015). Collection method: clinical testing. Allele origin: germline.
Comment: Algorithms developed to predict the effect of missense changes on protein structure and function (SIFT, PolyPhen-2, Align-GVGD) all suggest that this variant is likely to be tolerated, but these predictions have not been confirmed by published functional studies and their clinical significance is uncertain. In summary, the available evidence is currently insufficient to determine the role of this variant in disease. Therefore, it has been classified as a Variant of Uncertain Significance. This sequence change replaces valine with leucine at codon 55 of the PDGFRA protein (p.Val55Leu). The valine residue is moderately conserved and there is a small physicochemical difference between valine and leucine. This variant is not present in population databases (ExAC no frequency). This variant has not been reported in the literature in individuals with PDGFRA-related disease.